The following is an entry in ClinVar:

NM_000455.5(STK11):c.182G>A (p.Gly61Asp)

Gene: STK11 (serine/threonine kinase 11; plus strand). Cytogenetic location: 19p13.3.
Variant type: single nucleotide variant.
Coding change: c.182G>A on transcript NM_000455.5 (MANE Select); coding-DNA position 182, G replaced by A.
Protein change: p.Gly61Asp; replaces glycine 61 with aspartic acid.
Molecular consequence: missense variant.
Genome position (GRCh38, 1-based): chr19:1,207,095, G>A. VCF-style: chr19-1207095-G-A. GRCh37 (hg19) VCF-style: chr19-1207094-G-A.
Other names: short protein forms G61D.
Identifiers: ClinVar variation 859671 (VCV000859671.10), dbSNP rs2080672271, ClinGen allele CA402944211.
Genomic context (GRCh38, chr19:1,207,095, plus strand): 5'-AGCGGGCCAAGCTCATCGGCAAGTACCTGATGGGGGACCTGCTGGGGGAAGGCTCTTACG[G>A]CAAGGTGAAGGAGGTGCTGGACTCGGAGACGCTGTGCAGGAGGGCCGTCAAGATCCTCAA-3'
Protein context (NP_000446.1, residues 51-71): MGDLLGEGSY[Gly61Asp]KVKEVLDSET

ClinVar aggregate classification (germline): Uncertain significance. Review status: criteria provided, multiple submitters, no conflicts (2 of 4 stars). 2 submissions from 2 submitters: Uncertain significance (2). Last evaluated 2023-12-14.

Conditions:
Peutz-Jeghers syndrome (PJS). Also called: Peutz-Jeghers polyposis; Periorificial lentiginosis syndrome; POLYPOSIS, HAMARTOMATOUS INTESTINAL; POLYPS-AND-SPOTS SYNDROME. Identifiers: Orphanet 2869, MedGen C0031269, MeSH D010580, MONDO:0008280, OMIM 175200.
Hereditary cancer-predisposing syndrome. Also called: Hereditary neoplastic syndrome; Tumor predisposition; Neoplastic Syndromes, Hereditary; Hereditary Cancer Syndrome. Identifiers: Orphanet 140162, MedGen C0027672, MeSH D009386, MONDO:0015356.

Submissions (2):

Ambry Genetics
Classification: Uncertain significance for Hereditary cancer-predisposing syndrome. Last evaluated: 2023-12-14. Review status: criteria provided, single submitter. Criteria: Ambry Variant Classification Scheme 2023. Collection method: clinical testing. Allele origin: germline.
Comment: The p.G61D variant (also known as c.182G>A), located in coding exon 1 of the STK11 gene, results from a G to A substitution at nucleotide position 182. The glycine at codon 61 is replaced by aspartic acid, an amino acid with similar properties. This amino acid position is highly conserved in available vertebrate species. In addition, this alteration is predicted to be deleterious by in silico analysis. Since supporting evidence is limited at this time, the clinical significance of this alteration remains unclear.

Labcorp Genetics (formerly Invitae), Labcorp
Classification: Uncertain significance for Peutz-Jeghers syndrome. Last evaluated: 2019-01-19. Review status: criteria provided, single submitter. Criteria: Invitae Variant Classification Sherloc (09022015). Collection method: clinical testing. Allele origin: germline.
Comment: In summary, the available evidence is currently insufficient to determine the role of this variant in disease. Therefore, it has been classified as a Variant of Uncertain Significance. Algorithms developed to predict the effect of missense changes on protein structure and function (SIFT, PolyPhen-2, Align-GVGD) all suggest that this variant is likely to be disruptive, but these predictions have not been confirmed by published functional studies and their clinical significance is uncertain. This variant has not been reported in the literature in individuals with STK11-related conditions. This variant is not present in population databases (ExAC no frequency). This sequence change replaces glycine with aspartic acid at codon 61 of the STK11 protein (p.Gly61Asp). The glycine residue is highly conserved and there is a moderate physicochemical difference between glycine and aspartic acid.